The following is an entry in ClinVar:

NM_001018115.3(FANCD2):c.3543del (p.Gln1181fs)

Genes: FANCD2 (FA complementation group D2; plus strand), FANCD2OS (FANCD2 opposite strand; minus strand). Cytogenetic location: 3p25.3.
Variant type: Deletion.
Coding change: c.3543del on transcript NM_001018115.3 (MANE Select); coding-DNA position 3543, one base deleted (G; older notation c.3543delG).
Protein change: p.Gln1181fs; shifts the reading frame from glutamine 1181.
Molecular consequence: frameshift variant. On other transcripts: intron variant (1).
Genome position (GRCh38, 1-based): chr3:10,088,525, G deleted. VCF-style (leftmost placement, unchanged base first): chr3-10088524-AG-A. GRCh37 (hg19) VCF-style: chr3-10130208-AG-A.
Other names: c.3543del, p.Gln1181fs (NM_001319984.2, NM_001374254.1, NM_033084.6); c.3432del, p.Gln1144fs (NM_001374253.1); c.*44-6994del (NM_173472.2); short protein forms Q1181fs, Q1144fs.
Identifiers: ClinVar variation 5006516 (VCV005006516.2).
Genomic context (GRCh38, chr3:10,088,524, plus strand): 5'-AATTCCTCTGTCGGGTGTGGCCAAGTGGGGATAAAGAGAAGAGCAACATCTCTAATGACC[AG>A]CTCCATGCTCTGCTCTGGTGAGATGTTTGGTTTCTTCCAATGAGCCAAATAGCTTTTTTC-3'

ClinVar aggregate classification (germline): Likely pathogenic (1 of 4 stars; one submission).

Conditions:
Fanconi anemia complementation group D2. Also called: FANCD2-Related Fanconi Anemia; FANCONI PANCYTOPENIA, TYPE 4; FANCONI ANEMIA, COMPLEMENTATION GROUP D. Identifiers: Orphanet 84, MedGen C3160738, MONDO:0009214, OMIM 227646.

Submission:

Juno Genomics, Hangzhou Juno Genomics, Inc
Classification: Likely pathogenic for Fanconi anemia complementation group D2. Review status: criteria provided, single submitter. Criteria: ACMG Guidelines, 2015. Collection method: clinical testing. Allele origin: germline.
Comment: Null variant in a gene where loss of function (LOF) is a known mechanism of disease.;Absent from controls (or at extremely low frequency if recessive) in Genome Aggregation Database.